The following is an entry in ClinVar:

NM_000271.5(NPC1):c.3325A>G (p.Ile1109Val)

Gene: NPC1 (NPC intracellular cholesterol transporter 1; minus strand). Cytogenetic location: 18q11.2.
Variant type: single nucleotide variant.
Coding change: c.3325A>G on transcript NM_000271.5 (MANE Select); coding-DNA position 3325, A replaced by G.
Protein change: p.Ile1109Val; replaces isoleucine 1109 with valine.
Molecular consequence: missense variant.
Genome position (GRCh38, 1-based): chr18:23,535,621, T>C on the plus strand (A>G on the coding strand, the complement: NPC1 is on the minus strand). VCF-style: chr18-23535621-T-C. GRCh37 (hg19) VCF-style: chr18-21115585-T-C.
Other names: short protein forms I1109V.
Identifiers: ClinVar variation 1395464 (VCV001395464.7), dbSNP rs368642053, ClinGen allele CA297079228.
Genomic context (GRCh38, chr18:23,535,621, plus strand): 5'-CACACATGATGACTGCAGACCAGAGCTCACAGCCCAGGAGGACCATGGTCACCAGAAATA[T>C]CGCGCCCAGGGACACACCGAGGTTGAAGATAGTGTCGTCAATGATGGTCAGGTACTGTTC-3'
Protein context (NP_000262.2, residues 1099-1119): IFNLGVSLGA[Ile1109Val]FLVTMVLLGC

ClinVar aggregate classification (germline): Uncertain significance. Review status: criteria provided, multiple submitters, no conflicts (2 of 4 stars). 2 submissions from 2 submitters: Uncertain significance (2). Last evaluated 2025-07-01.

Conditions:
Niemann-Pick disease, type C1. Also called: NEUROVISCERAL STORAGE DISEASE WITH VERTICAL SUPRANUCLEAR OPHTHALMOPLEGIA; NIEMANN-PICK DISEASE WITH CHOLESTEROL ESTERIFICATION BLOCK; NIEMANN-PICK DISEASE WITHOUT SPHINGOMYELINASE DEFICIENCY; NIEMANN-PICK DISEASE, CHRONIC NEURONOPATHIC FORM; NIEMANN-PICK DISEASE, VARIANT TYPE C1. Identifiers: Orphanet 646, MedGen C3179455, MONDO:0009757, OMIM 257220.

Allele frequency attached by ClinVar (database versions not stated): gnomAD 0.00001; TOPMed 0.00001.
gnomAD v4.1: 4 of 1,613,914 alleles (0.00025%); highest among the groups gnomAD compares: African/African-American, 0.0013%; no homozygotes.

Submissions (2):

Women's Health and Genetics/Laboratory Corporation of America, LabCorp
Classification: Uncertain significance. Last evaluated: 2025-07-01. Review status: criteria provided, single submitter. Criteria: LabCorp Variant Classification Summary - May 2015. Collection method: clinical testing. Allele origin: germline.
Comment: Variant summary: NPC1 c.3325A>G (p.Ile1109Val) results in a conservative amino acid change in the encoded protein sequence. Algorithms developed to predict the effect of missense changes on protein structure and function are either unavailable or do not agree on the potential impact of this missense change. The variant was absent in 251466 control chromosomes. The available data on variant occurrences in the general population are insufficient to allow any conclusion about variant significance. c.3325A>G has been observed in the presumed compound heterozygous state in at least 1 individual(s) affected with Niemann-Pick Disease Type C (example, Liang_2024). These data do not allow any conclusion about variant significance. To our knowledge, no experimental evidence demonstrating an impact on protein function has been reported. The following publication has been ascertained in the context of this evaluation (PMID: 38131230). ClinVar contains an entry for this variant (Variation ID: 1395464). Based on the evidence outlined above, the variant was classified as uncertain significance.

Labcorp Genetics (formerly Invitae), Labcorp
Classification: Uncertain significance for Niemann-Pick disease, type C1. Last evaluated: 2021-08-31. Review status: criteria provided, single submitter. Criteria: Invitae Variant Classification Sherloc (09022015). Collection method: clinical testing. Allele origin: germline.
Comment: This sequence change replaces isoleucine with valine at codon 1109 of the NPC1 protein (p.Ile1109Val). The isoleucine residue is highly conserved and there is a small physicochemical difference between isoleucine and valine. This variant is not present in population databases (ExAC no frequency). This variant has not been reported in the literature in individuals affected with NPC1-related conditions. Advanced modeling of protein sequence and biophysical properties (such as structural, functional, and spatial information, amino acid conservation, physicochemical variation, residue mobility, and thermodynamic stability) performed at Invitae indicates that this missense variant is not expected to disrupt NPC1 protein function. Algorithms developed to predict the effect of sequence changes on RNA splicing suggest that this variant may create or strengthen a splice site. In summary, the available evidence is currently insufficient to determine the role of this variant in disease. Therefore, it has been classified as a Variant of Uncertain Significance.

Literature cited by the submitters: PubMed 38131230 (cited by Women's Health and Genetics/Laboratory Corporation of America, LabCorp).